The following is an entry in ClinVar:

NM_014946.4(SPAST):c.1597_1598del (p.Glu533fs)

Gene: SPAST (spastin; plus strand). Cytogenetic location: 2p22.3.
Variant type: Deletion.
Coding change: c.1597_1598del on transcript NM_014946.4 (MANE Select); coding-DNA positions 1597 to 1598, 2 bases deleted (GA; older notation c.1597_1598delGA).
Protein change: p.Glu533fs; shifts the reading frame from glutamic acid 533.
Molecular consequence: frameshift variant.
Genome position (GRCh38, 1-based): chr2:32,143,396-32,143,397, GA deleted; deleting any 2 consecutive bases within chr2:32,143,395-32,143,397 gives the same sequence; the c. name uses the placement nearest the transcript's 3' end. VCF-style (leftmost placement, unchanged base first): chr2-32143394-AAG-A. GRCh37 (hg19) VCF-style: chr2-32368463-AAG-A.
Other names: c.1594_1595del, p.Glu532fs (NM_001363823.2); c.1498_1499del, p.Glu500fs (NM_001363875.2); c.1501_1502del, p.Glu501fs (NM_001377959.1, NM_199436.2); c.1597_1598delGA (NM_014946.4); short protein forms E500fs, E501fs, E532fs, E533fs.
Identifiers: ClinVar variation 3251843 (VCV003251843.1), dbSNP rs2465903354.

ClinVar aggregate classification (germline): Pathogenic (1 of 4 stars; one submission).

Conditions:
Hereditary spastic paraplegia 4. Also called: Spastic paraplegia 4, autosomal dominant; Familial spastic paraplegia autosomal dominant 2; Spastic Paraplegia 4. Identifiers: Orphanet 100985, MedGen C1866855, MONDO:0008438, OMIM 182601.

Submission:

Women's Health and Genetics/Laboratory Corporation of America, LabCorp
Classification: Pathogenic for Hereditary spastic paraplegia 4. Last evaluated: 2024-04-30. Review status: criteria provided, single submitter. Criteria: LabCorp Variant Classification Summary - May 2015. Collection method: clinical testing. Allele origin: germline.
Comment: Variant summary: SPAST c.1597_1598delGA (p.Glu533ThrfsX6) results in a premature termination codon, predicted to cause a truncation of the encoded protein or absence of the protein due to nonsense mediated decay, which are commonly known mechanisms for disease. The variant was absent in 250238 control chromosomes. To our knowledge, no occurrence of c.1597_1598delGA in individuals affected with Spastic Paraplegia 4, Autosomal Dominant and no experimental evidence demonstrating its impact on protein function have been reported. No submitters have cited clinical-significance assessments for this variant to ClinVar. Based on the evidence outlined above, the variant was classified as pathogenic.